The following is an entry in ClinVar:

ClinVar aggregate classification (germline): Pathogenic (1 of 4 stars; one submission).

Conditions:
Gorlin syndrome. Also called: Basal cell nevus syndrome; Nevoid Basal Cell Carcinoma Syndrome. Identifiers: Orphanet 377, MedGen C0004779, MONDO:0007187.

Submission:

Labcorp Genetics (formerly Invitae), Labcorp
Classification: Pathogenic for Gorlin syndrome. Last evaluated: 2023-10-25. Review status: criteria provided, single submitter. Criteria: Invitae Variant Classification Sherloc (09022015). Collection method: clinical testing. Allele origin: germline.
Comment: This sequence change creates a premature translational stop signal (p.Thr728Argfs*16) in the PTCH1 gene. It is expected to result in an absent or disrupted protein product. Loss-of-function variants in PTCH1 are known to be pathogenic (PMID: 16301862, 16419085). This variant is not present in population databases (gnomAD no frequency). This variant has not been reported in the literature in individuals affected with PTCH1-related conditions. Algorithms developed to predict the effect of sequence changes on RNA splicing suggest that this variant may disrupt the consensus splice site. For these reasons, this variant has been classified as Pathogenic.

Literature cited by the submitters: PubMed 16301862; PubMed 16419085.

NM_000264.5(PTCH1):c.2183_2189del (p.Thr728fs)

Genes: PTCH1 (patched 1; minus strand), LOC100507346 (uncharacterized LOC100507346; plus strand). Cytogenetic location: 9q22.32.
Variant type: Deletion.
Coding change: c.2183_2189del on transcript NM_000264.5 (MANE Select); coding-DNA positions 2183 to 2189, 7 bases deleted (CGAAGTG; older notation c.2183_2189delCGAAGTG).
Protein change: p.Thr728fs; shifts the reading frame from threonine 728.
Molecular consequence: frameshift variant. On other transcripts: non-coding transcript variant (2).
Genome position (GRCh38, 1-based): chr9:95,468,812-95,468,818, CACTTCG deleted on the plus strand (CGAAGTG on the coding strand, the reverse complement: PTCH1 is on the minus strand). VCF-style (leftmost placement, unchanged base first): chr9-95468811-CCACTTCG-C. GRCh37 (hg19) VCF-style: chr9-98231093-CCACTTCG-C.
Other names: c.1985_1991del, p.Thr662fs (NM_001083602.3); c.2180_2186del, p.Thr727fs (NM_001083603.3); c.1730_1736del, p.Thr577fs (NM_001083604.3, NM_001083605.3, NM_001083606.3 and 1 more transcripts); c.2027_2033del, p.Thr676fs (NM_001354918.2); short protein forms T727fs, T676fs, T728fs, T577fs, T662fs.
Identifiers: ClinVar variation 2736237 (VCV002736237.3), dbSNP rs2538143965, ClinGen allele CA2697557858.